The following is an entry in ClinVar:

NM_000093.5(COL5A1):c.3007-19A>G

Gene: COL5A1 (collagen type V alpha 1 chain; plus strand). Cytogenetic location: 9q34.3.
Variant type: single nucleotide variant.
Coding change: c.3007-19A>G on transcript NM_000093.5 (MANE Select); 19 bases into the intron before coding-DNA position 3007, A replaced by G.
Molecular consequence: intron variant.
Genome position (GRCh38, 1-based): chr9:134,802,869, A>G. VCF-style: chr9-134802869-A-G. GRCh37 (hg19) VCF-style: chr9-137694715-A-G.
Other names: c.3007-19A>G (NM_001278074.1, NM_000093.3).
Identifiers: ClinVar variation 255075 (VCV000255075.7), dbSNP rs370503113, ClinGen allele CA10587056.
Genomic context (GRCh38, chr9:134,802,869, plus strand): 5'-TCCTTAGATTTAGGAAGAGATTCTCACTCCCTTGCAAGTCACTCGAAACGTCTGTGGCTG[A>G]CACTGATTTTCCCCACAGGGTCCCACGGGAGAAACGGGCCCAATGGGTGAGCGTGGCCAC-3'

ClinVar aggregate classification (germline): Conflicting classifications of pathogenicity. Review status: criteria provided, conflicting classifications (1 of 4 stars). 3 submissions from 3 submitters: Uncertain significance (1); Likely benign (2). Last evaluated 2025-11-28.

Conditions:
Ehlers-Danlos syndrome, classic type, 1 (EDSCL1). Also called: Ehlers-Danlos Syndrome, Classic Type, COL5A1-Related; EHLERS-DANLOS SYNDROME, GRAVIS TYPE; EHLERS-DANLOS SYNDROME, SEVERE CLASSIC TYPE; Ehlers-Danlos syndrome, type 1; EDS I. Identifiers: MedGen C0268335, MONDO:0019567, OMIM 130000.
Familial thoracic aortic aneurysm and aortic dissection (TAAD). Also called: Thoracic aortic aneurysms and dissections. Identifiers: Orphanet 91387, MedGen C4707243, MONDO:0019625.

Allele frequency attached by ClinVar (database versions not stated): gnomAD 0.00008 and 0.00009; gnomAD exomes 0.00001 and 0.00002; TOPMed 0.00011; ESP Exome Variant Server 0.00023.
gnomAD v4.1: 23 of 1,580,568 alleles (0.0015%); highest among the groups gnomAD compares: African/African-American, 0.027%; no homozygotes.

Submissions (3):

Labcorp Genetics (formerly Invitae), Labcorp
Classification: Likely benign for Ehlers-Danlos syndrome, classic type, 1. Last evaluated: 2025-11-28. Review status: criteria provided, single submitter. Criteria: Invitae Variant Classification Sherloc (09022015). Collection method: clinical testing. Allele origin: germline.

Ambry Genetics
Classification: Uncertain significance for Familial thoracic aortic aneurysm and aortic dissection. Last evaluated: 2017-07-30. Review status: criteria provided, single submitter. Criteria: Ambry Variant Classification Scheme 2023. Collection method: clinical testing. Allele origin: germline.
Comment: The c.3007-19A>G intronic alteration consists of a A to G substitution 19 nucleotides before coding exon 39 in the COL5A1 gene. Based on insufficient or conflicting evidence, the clinical significance of this alteration remains unclear.

PreventionGenetics, part of Exact Sciences
Classification: Likely benign. Review status: criteria provided, single submitter. Criteria: ACMG Guidelines, 2015. Collection method: clinical testing. Allele origin: germline.